The following is an entry in ClinVar:

NM_000297.4(PKD2):c.2343C>A (p.Asp781Glu)

Gene: PKD2 (polycystin 2, transient receptor potential cation channel; plus strand). Cytogenetic location: 4q22.1.
Variant type: single nucleotide variant.
Coding change: c.2343C>A on transcript NM_000297.4 (MANE Select); coding-DNA position 2343, C replaced by A.
Protein change: p.Asp781Glu; replaces aspartic acid 781 with glutamic acid.
Molecular consequence: missense variant. On other transcripts: non-coding transcript variant (1).
Genome position (GRCh38, 1-based): chr4:88,065,864, C>A. VCF-style: chr4-88065864-C-A. GRCh37 (hg19) VCF-style: chr4-88987016-C-A.
Other names: short protein forms D781E.
Identifiers: ClinVar variation 2397734 (VCV002397734.6), dbSNP rs776883129, ClinGen allele CA3004211.

ClinVar aggregate classification (germline): Uncertain significance. Review status: criteria provided, multiple submitters, no conflicts (2 of 4 stars). 3 submissions from 3 submitters: Uncertain significance (3). Last evaluated 2025-02-13.

Conditions:
Inborn genetic diseases. Identifiers: MedGen C0950123, MeSH D030342.
Autosomal dominant polycystic kidney disease. Identifiers: Orphanet 730, MedGen C0085413, MONDO:0004691.
Polycystic kidney disease 2 (PKD2). Also called: POLYCYSTIC KIDNEY DISEASE, ADULT, TYPE II; Polycystic Kidney Disease 2, Autosomal Dominant; POLYCYSTIC KIDNEY DISEASE 2 WITH OR WITHOUT POLYCYSTIC LIVER DISEASE. Identifiers: MedGen C2751306, MONDO:0013131, OMIM 613095.

Allele frequency attached by ClinVar (database versions not stated): ExAC 0.00001; gnomAD 0.00001; TOPMed 0.00002; gnomAD exomes 0.00005.
gnomAD v4.1: 75 of 1,605,502 alleles (0.0047%); highest among the groups gnomAD compares: Non-Finnish European, 0.0061%; no homozygotes.

Submissions (3):

Labcorp Genetics (formerly Invitae), Labcorp
Classification: Uncertain significance for Autosomal dominant polycystic kidney disease. Last evaluated: 2025-02-13. Review status: criteria provided, single submitter. Criteria: Invitae Variant Classification Sherloc (09022015). Collection method: clinical testing. Allele origin: germline.
Comment: This sequence change replaces aspartic acid, which is acidic and polar, with glutamic acid, which is acidic and polar, at codon 781 of the PKD2 protein (p.Asp781Glu). This variant is present in population databases (rs776883129, gnomAD 0.0009%). This variant has not been reported in the literature in individuals affected with PKD2-related conditions. ClinVar contains an entry for this variant (Variation ID: 2397734). Invitae Evidence Modeling of protein sequence and biophysical properties (such as structural, functional, and spatial information, amino acid conservation, physicochemical variation, residue mobility, and thermodynamic stability) indicates that this missense variant is not expected to disrupt PKD2 protein function with a negative predictive value of 80%. In summary, the available evidence is currently insufficient to determine the role of this variant in disease. Therefore, it has been classified as a Variant of Uncertain Significance.

Fulgent Genetics
Classification: Uncertain significance for Polycystic kidney disease 2. Last evaluated: 2024-06-24. Review status: criteria provided, single submitter. Criteria: ACMG Guidelines, 2015. Collection method: clinical testing. Allele origin: germline.

Ambry Genetics
Classification: Uncertain significance for Inborn genetic diseases. Last evaluated: 2022-11-17. Review status: criteria provided, single submitter. Criteria: Ambry Variant Classification Scheme 2023. Collection method: clinical testing. Allele origin: germline.